The following is an entry in ClinVar:

ClinVar aggregate classification (germline): Uncertain significance (1 of 4 stars; one submission).

Submission:

Labcorp Genetics (formerly Invitae), Labcorp
Classification: Uncertain significance. Last evaluated: 2025-12-18. Review status: criteria provided, single submitter. Criteria: Invitae Variant Classification Sherloc (09022015). Collection method: clinical testing. Allele origin: germline.
Comment: This sequence change creates a premature translational stop signal (p.Gly490Valfs*21) in the ANKZF1 gene. It is expected to result in an absent or disrupted protein product. However, the current clinical and genetic evidence is not sufficient to establish whether loss-of-function variants in ANKZF1 cause disease. This variant is present in population databases (no rsID available, gnomAD 0.003%). This variant has not been reported in the literature in individuals affected with ANKZF1-related conditions. In summary, the available evidence is currently insufficient to determine the role of this variant in disease. Therefore, it has been classified as a Variant of Uncertain Significance.

NM_018089.3(ANKZF1):c.1467del (p.Gly490fs)

Gene: ANKZF1 (ankyrin repeat and zinc finger peptidyl tRNA hydrolase 1; plus strand). Cytogenetic location: 2q35.
Variant type: Deletion.
Coding change: c.1467del on transcript NM_018089.3 (MANE Select); coding-DNA position 1467, one base deleted (T; older notation c.1467delT).
Protein change: p.Gly490fs; shifts the reading frame from glycine 490.
Molecular consequence: frameshift variant.
Genome position (GRCh38, 1-based): chr2:219,235,088, T deleted. VCF-style (leftmost placement, unchanged base first): chr2-219235087-CT-C. GRCh37 (hg19) VCF-style: chr2-220099809-CT-C.
Other names: c.1467del, p.Gly490fs (NM_001042410.2); c.837del, p.Gly280fs (NM_001282792.2); short protein forms G280fs, G490fs.
Identifiers: ClinVar variation 4777475 (VCV004777475.1).